The following is an entry in ClinVar:

ClinVar aggregate classification (germline): conflicting data from submitters (0 of 4 stars; one submission).

Submission:

GeneDx
Classification: conflicting data from submitters. Last evaluated: 2011-04-30. Review status: no assertion criteria provided. Collection method: clinical testing. Allele origin: not provided. Affected: yes. Observed: 12 variant alleles. Clinical features observed: Developmental delay AND/OR other significant developmental or morphological phenotypes.
Comment: Uncertain significance(5), Likely benign (2), Benign (5)

GRCh38/hg38 7p22.3(chr7:890905-948487)x3

Genes: ADAP1 (ArfGAP with dual PH domains 1; minus strand), GET4 (guided entry of tail-anchored proteins factor 4; plus strand), LOC121740675 (P300/CBP strongly-dependent group 1 enhancer GRCh37_chr7:984861-986060; plus strand), LOC129997742 (ATAC-STARR-seq lymphoblastoid silent region 17825; plus strand), LOC129997743 (ATAC-STARR-seq lymphoblastoid active region 25477; plus strand) and 7 more. Cytogenetic location: 7p22.3.
Variant type: copy number gain.
Change: copy number 3 (three copies instead of two) of chr7:890,905-948,487 (57.6 kb, GRCh38 coordinates, 1-based), cytogenetic band 7p22.3.
Identifiers: ClinVar variation 152401 (VCV000152401.1).